The following is an entry in ClinVar:

ClinVar aggregate classification (germline): Likely pathogenic (1 of 4 stars; one submission).

Conditions:
Dilated cardiomyopathy 1G (CMD1G). Identifiers: Orphanet 154, MedGen C1858763, MONDO:0011400, OMIM 604145.
Autosomal recessive limb-girdle muscular dystrophy type 2J (LGMDR10). Also called: Limb-girdle muscular dystrophy, type 2J; MUSCULAR DYSTROPHY, LIMB-GIRDLE, AUTOSOMAL RECESSIVE 10. Identifiers: Orphanet 140922, MedGen C1837342, MONDO:0012127, OMIM 608807.

Submission:

Labcorp Genetics (formerly Invitae), Labcorp
Classification: Likely pathogenic for Dilated cardiomyopathy 1G; Autosomal recessive limb-girdle muscular dystrophy type 2J. Last evaluated: 2021-10-08. Review status: criteria provided, single submitter. Criteria: Invitae Variant Classification Sherloc (09022015). Collection method: clinical testing. Allele origin: germline.
Comment: This sequence change creates a premature translational stop signal (p.Asn35496Lysfs*9) in the TTN gene. While this is not anticipated to result in nonsense mediated decay, it is expected to create a truncated TTN protein. This variant is not present in population databases (ExAC no frequency). This variant has not been reported in the literature in individuals affected with TTN-related conditions. This variant is located in the M band of TTN (PMID: 25589632). Truncating variants in this region have been previously reported in individuals affected with autosomal recessive myopathy and muscular dystrophy (PMID: 18948003, 23975875, 24395473), but have not been definitively shown to cause cardiomyopathy (PMID: 25589632). In summary, the currently available evidence indicates that the variant is pathogenic, but additional data are needed to prove that conclusively. Therefore, this variant has been classified as Likely Pathogenic.

Literature cited by the submitters: PubMed 25589632; PubMed 18948003; PubMed 23975875; PubMed 24395473.

NM_001267550.2(TTN):c.106487dup (p.Asn35496fs)

Genes: TTN-AS1 (TTN antisense RNA 1; plus strand), TTN (titin; minus strand). Cytogenetic location: 2q31.2.
Variant type: Duplication.
Coding change: c.106487dup on transcript NM_001267550.2 (MANE Select); coding-DNA position 106487, one base duplicated (A; older notation c.106487dupA).
Protein change: p.Asn35496fs; shifts the reading frame from asparagine 35496.
Molecular consequence: frameshift variant.
Genome position (GRCh38, 1-based): chr2:178,530,004, T duplicated on the plus strand (A on the coding strand, the reverse complement: TTN is on the minus strand); the first of 6 consecutive T bases (chr2:178,530,004-178,530,009); duplicating any one gives the same sequence. VCF-style (leftmost placement, unchanged base first): chr2-178530003-A-AT. GRCh37 (hg19) VCF-style: chr2-179394730-A-AT.
Other names: c.101564dup, p.Asn33855fs (NM_001256850.1); c.79292dup, p.Asn26431fs (NM_003319.4); c.98783dup, p.Asn32928fs (NM_133378.4); c.79667dup, p.Asn26556fs (NM_133432.3); c.79868dup, p.Asn26623fs (NM_133437.4); short protein forms N33855fs, N26556fs, N26623fs, N32928fs, N35496fs, N26431fs.
Identifiers: ClinVar variation 1489976 (VCV001489976.6), dbSNP rs2154132395, ClinGen allele CA2573134081.